The following is an entry in ClinVar:

ClinVar aggregate classification (germline): Uncertain significance. Review status: criteria provided, multiple submitters, no conflicts (2 of 4 stars). 2 submissions from 2 submitters: Uncertain significance (2). Last evaluated 2026-02-27.

gnomAD v4.1: 72 of 1,612,788 alleles (0.0045%); highest among the groups gnomAD compares: South Asian, 0.012%; no homozygotes.

Submissions (2):

Women's Health and Genetics/Laboratory Corporation of America, LabCorp
Classification: Uncertain significance. Last evaluated: 2026-02-27. Review status: criteria provided, single submitter. Criteria: LabCorp Variant Classification Summary - May 2015. Collection method: clinical testing. Allele origin: germline.
Comment: Variant summary: ATAD3A c.1622C>T (p.Ala541Val) results in a non-conservative amino acid change in the encoded protein sequence. Algorithms developed to predict the effect of missense changes on protein structure and function are either unavailable or do not agree on the potential impact of this missense change. The variant allele was found at a frequency of 4.8e-05 in 248888 control chromosomes. This frequency is not significantly higher than estimated for disease-causing variants in ATAD3A, allowing no conclusion about variant significance. To our knowledge, no occurrence of c.1622C>T in individuals affected with ATAD3A-related conditions and no experimental evidence demonstrating its impact on protein function have been reported. ClinVar contains an entry for this variant (Variation ID: 4527119). Based on the evidence outlined above, the variant was classified as uncertain significance.

GeneDx
Classification: Uncertain significance. Last evaluated: 2025-04-22. Review status: criteria provided, single submitter. Criteria: GeneDx Variant Classification Process June 2021. Collection method: clinical testing. Allele origin: germline. Affected: yes.
Comment: In silico analysis supports that this missense variant has a deleterious effect on protein structure/function; Has not been previously published as pathogenic or benign to our knowledge

NM_001170535.3(ATAD3A):c.1622C>T (p.Ala541Val)

Gene: ATAD3A (ATPase family AAA domain containing 3A; plus strand). Cytogenetic location: 1p36.33.
Variant type: single nucleotide variant.
Coding change: c.1622C>T on transcript NM_001170535.3 (MANE Select); coding-DNA position 1622, C replaced by T.
Protein change: p.Ala541Val; replaces alanine 541 with valine.
Molecular consequence: missense variant.
Genome position (GRCh38, 1-based): chr1:1,533,933, C>T. VCF-style: chr1-1533933-C-T. GRCh37 (hg19) VCF-style: chr1-1469313-C-T.
Other names: c.1385C>T, p.Ala462Val (NM_001170536.3); c.1766C>T, p.Ala589Val (NM_018188.5); short protein forms A462V, A541V, A589V.
Identifiers: ClinVar variation 4527119 (VCV004527119.2).